The following is an entry in ClinVar:

NM_001395414.1(MUC22):c.1355C>A (p.Ala452Glu)

Gene: MUC22 (mucin 22; plus strand). Cytogenetic location: 6p21.33.
Variant type: single nucleotide variant.
Coding change: c.1355C>A on transcript NM_001395414.1 (MANE Select); coding-DNA position 1355, C replaced by A.
Protein change: p.Ala452Glu; replaces alanine 452 with glutamic acid.
Molecular consequence: missense variant.
Genome position (GRCh38, 1-based): chr6:31,026,786, C>A. VCF-style: chr6-31026786-C-A. GRCh37 (hg19) VCF-style: chr6-30994563-C-A.
Other names: c.1355C>A, p.Ala452Glu (NM_001198815.1); c.1364C>A, p.Ala455Glu (NM_001318484.1, NM_001322469.1); short protein forms A452E, A455E.
Identifiers: ClinVar variation 2656383 (VCV002656383.24), dbSNP rs546686317, ClinGen allele CA3707756.

ClinVar aggregate classification (germline): Likely benign (1 of 4 stars; one submission).

Allele frequency attached by ClinVar (database versions not stated): 1000 Genomes Project 0.00040; 1000 Genomes Project 30x 0.00156; ExAC 0.00175; gnomAD 0.00181; gnomAD exomes 0.00443.
gnomAD v4.1: 6,226 of 1,507,062 alleles (0.41%); highest among the groups gnomAD compares: Non-Finnish European, 0.5%; 556 homozygotes.

Submission:

CeGaT Center for Human Genetics Tuebingen
Classification: Likely benign. Last evaluated: 2026-04-01. Review status: criteria provided, single submitter. Criteria: CeGaT Center For Human Genetics Tuebingen Variant Classification Criteria Version 2. Collection method: clinical testing. Allele origin: germline. Affected: yes. Observed: 5 variant alleles.
Comment: MUC22: BP4, BS2